The following is an entry in ClinVar:

ClinVar aggregate classification (germline): Uncertain significance (1 of 4 stars; one submission).

Allele frequency attached by ClinVar (database versions not stated): gnomAD exomes 0.00002; TOPMed 0.00002; ExAC 0.00004.

Submission:

Labcorp Genetics (formerly Invitae), Labcorp
Classification: Uncertain significance. Last evaluated: 2021-07-21. Review status: criteria provided, single submitter. Criteria: Invitae Variant Classification Sherloc (09022015). Collection method: clinical testing. Allele origin: germline.
Comment: In summary, the available evidence is currently insufficient to determine the role of this variant in disease. Therefore, it has been classified as a Variant of Uncertain Significance. Advanced modeling of protein sequence and biophysical properties (such as structural, functional, and spatial information, amino acid conservation, physicochemical variation, residue mobility, and thermodynamic stability) performed at Invitae indicates that this missense variant is not expected to disrupt KCNV2 protein function. This variant has not been reported in the literature in individuals affected with KCNV2-related conditions. This variant is present in population databases (rs755862395, ExAC 0.03%). This sequence change replaces alanine with aspartic acid at codon 94 of the KCNV2 protein (p.Ala94Asp). The alanine residue is weakly conserved and there is a moderate physicochemical difference between alanine and aspartic acid.

NM_133497.4(KCNV2):c.281C>A (p.Ala94Asp)

Gene: KCNV2 (potassium voltage-gated channel modifier subfamily V member 2; plus strand). Cytogenetic location: 9p24.2.
Variant type: single nucleotide variant.
Coding change: c.281C>A on transcript NM_133497.4 (MANE Select); coding-DNA position 281, C replaced by A.
Protein change: p.Ala94Asp; replaces alanine 94 with aspartic acid.
Molecular consequence: missense variant.
Genome position (GRCh38, 1-based): chr9:2,718,020, C>A. VCF-style: chr9-2718020-C-A. GRCh37 (hg19) VCF-style: chr9-2718020-C-A.
Other names: short protein forms A94D.
Identifiers: ClinVar variation 1478022 (VCV001478022.8), dbSNP rs755862395, ClinGen allele CA4965393.
Genomic context (GRCh38, chr9:2,718,020, plus strand): 5'-AGGACCAGCAGGCAGGGGAGGTCACCACCGCCAAGCCCGAGGGCCCCAGCGACCCTCCGG[C>A]CCTGCTGTCCACGCTGAATGTGAACGTGGGTGGCCACAGCTACCAGCTGGACTACTGCGA-3'
Protein context (NP_598004.1, residues 84-104): AKPEGPSDPP[Ala94Asp]LLSTLNVNVG